The following is an entry in ClinVar:

ClinVar aggregate classification (germline): Likely benign (1 of 4 stars; one submission).

Conditions:
Autoinflammatory disease, systemic, with vasculitis (SAIDV). Also called: LAVLI SYNDROME. Identifiers: MedGen C5830525, MONDO:0957271, OMIM 620376.

Submission:

Dasa
Classification: Likely benign for Autoinflammatory disease, systemic, with vasculitis. Last evaluated: 2026-02-25. Review status: criteria provided, single submitter. Criteria: DASA Assertion Criteria. Collection method: clinical testing. Allele origin: germline.
Comment: NM_002350.4(LYN):c.1050+47del is an intronic variant. The variant context is inconsistent with a known disease-causing mechanism. Computational prediction algorithms are consistent with a benign effect. Therefore, based on the currently available evidence, this variant is classified as likely benign.

NM_002350.4(LYN):c.1050+47del

Gene: LYN (LYN proto-oncogene, Src family tyrosine kinase; plus strand). Cytogenetic location: 8q12.1.
Variant type: Deletion.
Coding change: c.1050+47del on transcript NM_002350.4 (MANE Select); 47 bases into the intron after coding-DNA position 1050, one base deleted (T; older notation c.1050+47delT).
Molecular consequence: intron variant.
Genome position (GRCh38, 1-based): chr8:55,969,840, T deleted; the last of 2 consecutive T bases (chr8:55,969,839-55,969,840); deleting either gives the same sequence. VCF-style (leftmost placement, unchanged base first): chr8-55969838-CT-C. GRCh37 (hg19) VCF-style: chr8-56882397-CT-C.
Other names: c.987+47del (NM_001111097.3).
Identifiers: ClinVar variation 4884156 (VCV004884156.2).